The following is an entry in ClinVar:

ClinVar aggregate classification (germline): Uncertain significance (1 of 4 stars; one submission).

Allele frequency attached by ClinVar (database versions not stated): gnomAD exomes 0.00001; TOPMed 0.00001.

Submission:

Women's Health and Genetics/Laboratory Corporation of America, LabCorp
Classification: Uncertain significance. Last evaluated: 2023-11-03. Review status: criteria provided, single submitter. Criteria: LabCorp Variant Classification Summary - May 2015. Collection method: clinical testing. Allele origin: germline.
Comment: Variant summary: ALX4 c.154G>A (p.Ala52Thr) results in a non-conservative amino acid change in the encoded protein sequence. Four of five in-silico tools predict a benign effect of the variant on protein function. The variant allele was found at a frequency of 4.9e-06 in 203862 control chromosomes (i.e., 1 heterozygote; gnomAD v2). The available data on variant occurrences in the general population are insufficient to allow any conclusion about variant significance. To our knowledge, no occurrence of c.154G>A in individuals affected with Parietal Foramina 2 and no experimental evidence demonstrating its impact on protein function have been reported. No submitters have reported clinical-significance assessments for this variant to ClinVar after 2014. Based on the evidence outlined above, the variant was classified as uncertain significance.

NM_021926.4(ALX4):c.154G>A (p.Ala52Thr)

Gene: ALX4 (ALX homeobox 4; minus strand). Cytogenetic location: 11p11.2.
Variant type: single nucleotide variant.
Coding change: c.154G>A on transcript NM_021926.4 (MANE Select); coding-DNA position 154, G replaced by A.
Protein change: p.Ala52Thr; replaces alanine 52 with threonine.
Molecular consequence: missense variant.
Genome position (GRCh38, 1-based): chr11:44,309,909, C>T on the plus strand (G>A on the coding strand, the complement: ALX4 is on the minus strand). VCF-style: chr11-44309909-C-T. GRCh37 (hg19) VCF-style: chr11-44331459-C-T.
Other names: short protein forms A52T.
Identifiers: ClinVar variation 2682314 (VCV002682314.1), dbSNP rs868625607, ClinGen allele CA221922923.